The following is an entry in ClinVar:

NM_001323289.2(CDKL5):c.1471G>A (p.Ala491Thr)

Gene: CDKL5 (cyclin dependent kinase like 5; plus strand). Cytogenetic location: Xp22.13.
Variant type: single nucleotide variant.
Coding change: c.1471G>A on transcript NM_001323289.2 (MANE Select); coding-DNA position 1471, G replaced by A.
Protein change: p.Ala491Thr; replaces alanine 491 with threonine.
Molecular consequence: missense variant.
Genome position (GRCh38, 1-based): chrX:18,604,395, G>A. VCF-style: chrX-18604395-G-A. GRCh37 (hg19) VCF-style: chrX-18622515-G-A.
Other names: c.1471G>A, p.Ala491Thr (NM_001037343.2, NM_003159.3); short protein forms A491T.
Identifiers: ClinVar variation 507605 (VCV000507605.1), dbSNP rs1555952046, ClinGen allele CA412361059.

ClinVar aggregate classification (germline): Likely benign (1 of 4 stars; one submission).

Allele frequency attached by ClinVar (database versions not stated): gnomAD 0.00001; gnomAD exomes 0.00001.
gnomAD v4.1: 6 of 1,208,903 alleles (0.0005%); highest among the groups gnomAD compares: African/African-American, 0.0018%; no homozygotes.

Submission:

GeneDx
Classification: Likely benign. Last evaluated: 2017-02-22. Review status: criteria provided, single submitter. Criteria: GeneDx Variant Classification (06012015). Collection method: clinical testing. Allele origin: germline. Affected: yes.
Comment: This variant is considered likely benign or benign based on one or more of the following criteria: it is a conservative change, it occurs at a poorly conserved position in the protein, it is predicted to be benign by multiple in silico algorithms, and/or has population frequency not consistent with disease.